The following is an entry in ClinVar:

ClinVar aggregate classification (germline): Benign/Likely benign. Review status: criteria provided, multiple submitters, no conflicts (2 of 4 stars). 14 submissions from 14 submitters: Benign (5); Likely benign (6). 3 of the submissions do not count toward it. Last evaluated 2026-07-01.

Conditions:
Sinoatrial node dysfunction and deafness (SANDD). Identifiers: Orphanet 324321, MedGen C3554018, MONDO:0013960, OMIM 614896.
Aldosterone-producing adenoma with seizures and neurological abnormalities. Also called: Primary aldosteronism, seizures, and neurologic abnormalities. Identifiers: Orphanet 369929, MedGen C3809609, MONDO:0014200, OMIM 615474.

Submissions (14):

CeGaT Center for Human Genetics Tuebingen
Classification: Likely benign. Last evaluated: 2026-07-01. Review status: criteria provided, single submitter. Criteria: CeGaT Center For Human Genetics Tuebingen Variant Classification Criteria Version 2. Collection method: clinical testing. Allele origin: germline. Affected: yes. Observed: 6 variant alleles.
Comment: CACNA1D: PM4:Supporting, BS2

Labcorp Genetics (formerly Invitae), Labcorp
Classification: Likely benign. Last evaluated: 2026-01-27. Review status: criteria provided, single submitter. Criteria: Invitae Variant Classification Sherloc (09022015). Collection method: clinical testing. Allele origin: germline.

ARUP Laboratories, Molecular Genetics and Genomics, ARUP Laboratories
Classification: Benign. Last evaluated: 2025-01-17. Review status: criteria provided, single submitter. Criteria: ARUP Molecular Germline Variant Investigation Process 2024. Collection method: clinical testing. Allele origin: germline.

Blueprint Genetics
Classification: Likely benign. Last evaluated: 2024-11-20. Review status: criteria provided, single submitter. Criteria: ACMG Guidelines, 2015. Collection method: clinical testing. Allele origin: germline.

Mayo Clinic Laboratories, Mayo Clinic
Classification: Benign. Last evaluated: 2024-01-26. Review status: criteria provided, single submitter. Criteria: ACMG Guidelines, 2015. Collection method: clinical testing. Allele origin: germline. Observed: 4 variant alleles.
Comment: BS1, BS2

KCCC/NGS Laboratory, Kuwait Cancer Control Center
Classification: Likely benign for Aldosterone-producing adenoma with seizures and neurological abnormalities. Last evaluated: 2023-07-07. Review status: criteria provided, single submitter. Criteria: ACMG Guidelines, 2015. Collection method: clinical testing. Allele origin: germline. Affected: yes.

Fulgent Genetics
Classification: Likely benign for Sinoatrial node dysfunction and deafness; Aldosterone-producing adenoma with seizures and neurological abnormalities. Last evaluated: 2021-12-23. Review status: criteria provided, single submitter. Criteria: ACMG Guidelines, 2015. Collection method: clinical testing. Allele origin: unknown.

Genetic Services Laboratory, University of Chicago
Classification: Benign. Last evaluated: 2021-02-25. Review status: criteria provided, single submitter. Criteria: ACMG Guidelines, 2015. Collection method: clinical testing. Allele origin: germline. Affected: no.

Athena Diagnostics
Classification: Benign. Last evaluated: 2019-07-12. Review status: criteria provided, single submitter. Criteria: Athena Diagnostics Criteria. Collection method: clinical testing. Allele origin: germline.

Center for Pediatric Genomic Medicine, Children's Mercy Hospital and Clinics
Classification: Likely benign. Last evaluated: 2016-12-07. Review status: criteria provided, single submitter. Criteria: ACMG Guidelines, 2015. Collection method: clinical testing. Allele origin: germline.
ClinVar note: Converted during submission from Likely Benign to Likely benign.

Laboratory for Molecular Medicine, Mass General Brigham Personalized Medicine
Classification: Benign. Last evaluated: 2016-08-09. Review status: criteria provided, single submitter. Criteria: LMM Criteria. Collection method: clinical testing. Allele origin: germline. Observed: 4 variant alleles.
Comment: p.Phe1943del in exon 47 of CACNA1D: This variant is not expected to have clinica l significance because it has been identified in 0.4% (285/66318) of European ch romosomes by the Exome Aggregation Consortium (ExAC. org; dbSNP rs72556363).

Clinical Genetics DNA and cytogenetics Diagnostics Lab, Erasmus MC, Erasmus Medical Center
Classification: Likely benign. Review status: no assertion criteria provided. Collection method: clinical testing. Allele origin: germline. Affected: yes. Study: VKGL Data-share Consensus. Not counted in ClinVar's aggregate classification.

Clinical Genetics, Academic Medical Center
Classification: Likely benign. Review status: no assertion criteria provided. Collection method: clinical testing. Allele origin: germline. Affected: yes. Study: VKGL Data-share Consensus. Not counted in ClinVar's aggregate classification.

Department of Pathology and Laboratory Medicine, Sinai Health System
Classification: Likely benign. Review status: no assertion criteria provided. Collection method: clinical testing. Allele origin: unknown. Affected: yes. Study: The Canadian Open Genetics Repository (COGR). Not counted in ClinVar's aggregate classification.
Comment: The CACNA1D p.Phe1923del variant was not identified in the literature nor was it identified in LOVD 3.0. The variant was identified in dbSNP (ID: rs72556363) and ClinVar (classified as likely benign by Center for Pediatric Genomic Medicine, Children's Mercy Hospital and Clinics and as benign by Laboratory for Molecular Medicine, Partners HealthCare Personalized Medicine). The variant was identified in control databases in 673 of 278936 chromosomes (3 homozygous) at a frequency of 0.002413 increasing the likelihood this could be a low frequency benign variant (Genome Aggregation Database March 6, 2019, v2.1.1). The variant was observed in the following populations: European (non-Finnish) in 588 of 129052 chromosomes (freq: 0.004556), Other in 15 of 7200 chromosomes (freq: 0.002083), European (Finnish) in 20 of 21356 chromosomes (freq: 0.000937), African in 21 of 24966 chromosomes (freq: 0.000841), Latino in 24 of 35436 chromosomes (freq: 0.000677), Ashkenazi Jewish in 2 of 10368 chromosomes (freq: 0.000193) and South Asian in 3 of 30616 chromosomes (freq: 0.000098), but was not observed in the East Asian population. This variant is an in-frame deletion resulting in the removal of a phenylalanine (phe) residue at codon 1923; the impact of this alteration on CACNA1D protein function is not known. The variant occurs outside of the splicing consensus sequence and three of four in silico or computational prediction software programs (SpliceSiteFinder, MaxEntScan, NNSPLICE, GeneSplicer) do not predict a greater than 10% difference in splicing; this is not very predictive of pathogenicity. In summary, based on the above information the clinical significance of this variant cannot be determined with certainty at this time although we would lean towards a more benign role for this variant. This variant is classified as likely benign.

NM_001128840.3(CACNA1D):c.5767_5769del (p.Phe1923del)

Gene: CACNA1D (calcium voltage-gated channel subunit alpha1 D; plus strand). Cytogenetic location: 3p21.1.
Variant type: Deletion.
Coding change: c.5767_5769del on transcript NM_001128840.3 (MANE Select); coding-DNA positions 5767 to 5769, 3 bases deleted (TTC; older notation c.5767_5769delTTC).
Protein change: p.Phe1923del; deletes phenylalanine 1923.
Molecular consequence: inframe deletion.
Genome position (GRCh38, 1-based): chr3:53,808,666-53,808,668, TTC deleted; deleting any 3 consecutive bases within chr3:53,808,665-53,808,668 gives the same sequence; the c. name uses the placement nearest the transcript's 3' end. VCF-style (leftmost placement, unchanged base first): chr3-53808664-CCTT-C. GRCh37 (hg19) VCF-style: chr3-53842691-CCTT-C.
Other names: c.5827_5829del, p.Phe1943del (NM_000720.4); c.5695_5697del, p.Phe1899del (NM_001128839.3); c.5827_5829del (NM_000720.3); short protein forms F1943del, F1899del, F1923del.
Identifiers: ClinVar variation 227204 (VCV000227204.58), dbSNP rs72556363, ClinGen allele CA2455263.